The following is an entry in ClinVar:

ClinVar aggregate classification (germline): Uncertain significance (1 of 4 stars; one submission).

Submission:

CeGaT Center for Human Genetics Tuebingen
Classification: Uncertain significance. Last evaluated: 2024-08-01. Review status: criteria provided, single submitter. Criteria: CeGaT Center For Human Genetics Tuebingen Variant Classification Criteria Version 2. Collection method: clinical testing. Allele origin: germline. Affected: yes. Observed: 1 variant allele.
Comment: KMT2A: PM2, PM4

NM_001197104.2(KMT2A):c.10332_10341inv (p.Ser3446Glu)

Gene: KMT2A (lysine methyltransferase 2A; plus strand). Cytogenetic location: 11q23.3.
Variant type: Inversion.
Coding change: c.10332_10341inv on transcript NM_001197104.2 (MANE Select).
Protein change: p.Ser3446Glu; replaces serine 3446 with glutamic acid.
Molecular consequence: missense variant.
Genome position: GRCh38 VCF-style: chr11-118506224-ACCTTCTGGG-CCCAGAAGGT. GRCh37 (hg19) VCF-style: chr11-118376939-ACCTTCTGGG-CCCAGAAGGT.
Other names: c.10422_10431inv, p.Ser3476Glu (NM_001412597.1); c.10323_10332inv, p.Ser3443Glu (NM_005933.4); short protein forms S3443E, S3446E, S3476E.
Identifiers: ClinVar variation 3342230 (VCV003342230.16).